The following is an entry in ClinVar:

ClinVar aggregate classification (germline): Uncertain significance (1 of 4 stars; one submission).

Conditions:
Hepatic veno-occlusive disease-immunodeficiency syndrome. Also called: Hepatic Veno-Occlusive Disease with Immunodeficiency. Identifiers: Orphanet 79124, MedGen C1856128, MONDO:0009338, OMIM 235550. Disease mechanism: loss of function.

Submission:

Labcorp Genetics (formerly Invitae), Labcorp
Classification: Uncertain significance for Hepatic veno-occlusive disease-immunodeficiency syndrome. Last evaluated: 2020-02-21. Review status: criteria provided, single submitter. Criteria: Invitae Variant Classification Sherloc (09022015). Collection method: clinical testing. Allele origin: germline.
Comment: This variant has not been reported in the literature in individuals with SP110-related conditions. This variant is not present in population databases (ExAC no frequency). This sequence change replaces glutamic acid with glycine at codon 212 of the SP110 protein (p.Glu212Gly). The glutamic acid residue is moderately conserved and there is a moderate physicochemical difference between glutamic acid and glycine. Algorithms developed to predict the effect of missense changes on protein structure and function output the following: SIFT: "Tolerated"; PolyPhen-2: "Probably Damaging"; Align-GVGD: "Class C0". The glycine amino acid residue is found in multiple mammalian species, suggesting that this missense change does not adversely affect protein function. These predictions have not been confirmed by published functional studies and their clinical significance is uncertain. In summary, the available evidence is currently insufficient to determine the role of this variant in disease. Therefore, it has been classified as a Variant of Uncertain Significance.

NM_080424.4(SP110):c.635A>G (p.Glu212Gly)

Genes: SP140 (SP140 nuclear body protein; plus strand), SP110 (SP110 nuclear body protein; minus strand). Cytogenetic location: 2q37.1.
Variant type: single nucleotide variant.
Coding change: c.635A>G on transcript NM_080424.4 (MANE Select); coding-DNA position 635, A replaced by G.
Protein change: p.Glu212Gly; replaces glutamic acid 212 with glycine.
Molecular consequence: missense variant.
Genome position (GRCh38, 1-based): chr2:230,212,379, T>C on the plus strand (A>G on the coding strand, the complement: SP110 is on the minus strand). VCF-style: chr2-230212379-T-C. GRCh37 (hg19) VCF-style: chr2-231077094-T-C.
Other names: c.653A>G, p.Glu218Gly (NM_001185015.2, NM_001378442.1, NM_001378444.1 and 2 more transcripts); c.635A>G, p.Glu212Gly (NM_001378443.1, NM_001378447.1, NM_004509.5 and 1 more transcripts); short protein forms E212G, E218G.
Identifiers: ClinVar variation 1024666 (VCV001024666.9), dbSNP rs1047254, ClinGen allele CA66761115.